The following is an entry in ClinVar:

NM_001851.6(COL9A1):c.1105G>T (p.Ala369Ser)

Gene: COL9A1 (collagen type IX alpha 1 chain; minus strand). Cytogenetic location: 6q13.
Variant type: single nucleotide variant.
Coding change: c.1105G>T on transcript NM_001851.6 (MANE Select); coding-DNA position 1105, G replaced by T.
Protein change: p.Ala369Ser; replaces alanine 369 with serine.
Molecular consequence: missense variant. On other transcripts: non-coding transcript variant (1).
Genome position (GRCh38, 1-based): chr6:70,271,693, C>A on the plus strand (G>T on the coding strand, the complement: COL9A1 is on the minus strand). VCF-style: chr6-70271693-C-A. GRCh37 (hg19) VCF-style: chr6-70981396-C-A.
Other names: c.376G>T, p.Ala126Ser (NM_001377289.1, NM_001377290.1, NM_078485.4); short protein forms A369S, A126S.
Identifiers: ClinVar variation 1375707 (VCV001375707.8), dbSNP rs768904572, ClinGen allele CA3882407.

ClinVar aggregate classification (germline): Uncertain significance (1 of 4 stars; one submission).

Allele frequency attached by ClinVar (database versions not stated): gnomAD exomes below 0.00001; ExAC 0.00001; gnomAD 0.00001; TOPMed 0.00002.
gnomAD v4.1: 5 of 1,613,882 alleles (0.00031%); highest among the groups gnomAD compares: African/African-American, 0.0067%; no homozygotes.

Submission:

Labcorp Genetics (formerly Invitae), Labcorp
Classification: Uncertain significance. Last evaluated: 2026-01-05. Review status: criteria provided, single submitter. Criteria: Invitae Variant Classification Sherloc (09022015). Collection method: clinical testing. Allele origin: germline.
Comment: This sequence change replaces alanine, which is neutral and non-polar, with serine, which is neutral and polar, at codon 369 of the COL9A1 protein (p.Ala369Ser). This variant is present in population databases (rs768904572, gnomAD 0.007%). This variant has not been reported in the literature in individuals affected with COL9A1-related conditions. ClinVar contains an entry for this variant (Variation ID: 1375707). Invitae Evidence Modeling of protein sequence and biophysical properties (such as structural, functional, and spatial information, amino acid conservation, physicochemical variation, residue mobility, and thermodynamic stability) indicates that this missense variant is not expected to disrupt COL9A1 protein function with a negative predictive value of 95%. In summary, the available evidence is currently insufficient to determine the role of this variant in disease. Therefore, it has been classified as a Variant of Uncertain Significance.